The following is an entry in ClinVar:

ClinVar aggregate classification (germline): Conflicting classifications of pathogenicity. Review status: criteria provided, conflicting classifications (1 of 4 stars). 6 submissions from 6 submitters: Uncertain significance (1); Benign (1); Likely benign (2). 2 of the submissions do not count toward it. Last evaluated 2026-01-11.

Conditions:
RS1-related disorder. Also called: RS1-related condition.
Juvenile retinoschisis (RS1). Also called: X-linked retinoschisis; X-Linked Juvenile Retinoschisis. Identifiers: Orphanet 792, MedGen C3714753, MONDO:0010725, OMIM 312700.

Allele frequency attached by ClinVar (database versions not stated): gnomAD 0.00003 and 0.00005; TOPMed 0.00011; 1000 Genomes Project 30x 0.00021; 1000 Genomes Project 0.00026; ExAC 0.00008.
gnomAD v4.1: 78 of 1,208,490 alleles (0.0065%); highest among the groups gnomAD compares: East Asian, 0.041%; no homozygotes.

Submissions (6):

Labcorp Genetics (formerly Invitae), Labcorp
Classification: Benign. Last evaluated: 2026-01-11. Review status: criteria provided, single submitter. Criteria: Invitae Variant Classification Sherloc (09022015). Collection method: clinical testing. Allele origin: germline.

Blueprint Genetics
Classification: Likely benign. Last evaluated: 2024-11-15. Review status: criteria provided, single submitter. Criteria: ACMG Guidelines, 2015. Collection method: clinical testing. Allele origin: germline.

CeGaT Center for Human Genetics Tuebingen
Classification: Likely benign. Last evaluated: 2024-07-01. Review status: criteria provided, single submitter. Criteria: CeGaT Center For Human Genetics Tuebingen Variant Classification Criteria Version 2. Collection method: clinical testing. Allele origin: germline. Affected: yes. Observed: 2 variant alleles.
Comment: CDKL5: BS2; RS1: BP4, BP7, BS2

Eurofins Ntd Llc (ga)
Classification: Uncertain significance. Last evaluated: 2015-12-22. Review status: criteria provided, single submitter. Criteria: EGL Classification Definitions 2015. Collection method: clinical testing. Allele origin: germline. Observed: 1 variant allele, 1 hemizygote.

Natera, Inc.
Classification: Likely benign for X-linked retinoschisis. Last evaluated: 2021-07-22. Review status: no assertion criteria provided. Collection method: clinical testing. Allele origin: germline. Not counted in ClinVar's aggregate classification.

PreventionGenetics, part of Exact Sciences
Classification: Likely benign for RS1-related condition. Last evaluated: 2019-04-24. Review status: no assertion criteria provided. Collection method: clinical testing. Allele origin: germline. Not counted in ClinVar's aggregate classification.
Comment: This variant is classified as likely benign based on ACMG/AMP sequence variant interpretation guidelines (Richards et al. 2015 PMID: 25741868, with internal and published modifications).

NM_000330.4(RS1):c.234G>A (p.Pro78=)

Genes: CDKL5 (cyclin dependent kinase like 5; plus strand), RS1 (retinoschisin 1; minus strand). Cytogenetic location: Xp22.13.
Variant type: single nucleotide variant.
Coding change: c.234G>A on transcript NM_000330.4 (MANE Select); coding-DNA position 234, G replaced by A.
Protein change: p.Pro78=; no amino-acid change (proline 78 retained).
Molecular consequence: synonymous variant. On other transcripts: intron variant (2).
Genome position (GRCh38, 1-based): chrX:18,647,283, C>T on the plus strand (G>A on the coding strand, the complement: RS1 is on the minus strand). VCF-style: chrX-18647283-C-T. GRCh37 (hg19) VCF-style: chrX-18665403-C-T.
Other names: c.2797+1193C>T (NM_003159.3, NM_001037343.2).
Identifiers: ClinVar variation 285377 (VCV000285377.39), dbSNP rs183092299, ClinGen allele CA10360713.